The following is an entry in ClinVar:

ClinVar aggregate classification (germline): Pathogenic. Review status: criteria provided, multiple submitters, no conflicts (2 of 4 stars). 2 submissions from 2 submitters: Pathogenic (2). Last evaluated 2025-08-04.

Conditions:
Ventriculomegaly-cystic kidney disease. Also called: Ventriculomegaly with cystic kidney disease. Identifiers: Orphanet 443988, MedGen C1857423, MONDO:0009063, OMIM 219730.

Allele frequency attached by ClinVar (database versions not stated): gnomAD 0.00001; TOPMed 0.00001.

Submissions (2):

Labcorp Genetics (formerly Invitae), Labcorp
Classification: Pathogenic. Last evaluated: 2025-08-04. Review status: criteria provided, single submitter. Criteria: Invitae Variant Classification Sherloc (09022015). Collection method: clinical testing. Allele origin: germline.
Comment: This sequence change creates a premature translational stop signal (p.Arg275*) in the CRB2 gene. It is expected to result in an absent or disrupted protein product. Loss-of-function variants in CRB2 are known to be pathogenic (PMID: 27942854, 30212996). This variant is present in population databases (rs772895608, gnomAD 0.007%). This variant has not been reported in the literature in individuals affected with CRB2-related conditions. ClinVar contains an entry for this variant (Variation ID: 3255213). For these reasons, this variant has been classified as Pathogenic.

Victorian Clinical Genetics Services, Murdoch Childrens Research Institute
Classification: Pathogenic for Ventriculomegaly-cystic kidney disease. Last evaluated: 2023-07-17. Review status: criteria provided, single submitter. Criteria: ACMG Guidelines, 2015. Collection method: clinical testing. Allele origin: germline. Inheritance: Autosomal recessive inheritance. Affected: yes.
Comment: Based on the classification scheme VCGS_Germline_v1.3.4, this variant is classified as Pathogenic. Following criteria are met: 0102 - Loss of function is a known mechanism of disease in this gene and is associated with focal segmental glomerulosclerosis 9 (MIM#616220) and ventriculomegaly with cystic kidney disease (MIM#219730). (I) 0106 - This gene is associated with autosomal recessive disease. (I) 0115 - Variants in this gene are known to have variable expressivity (PMID: 27867342). (I) 0201 - Variant is predicted to cause nonsense-mediated decay (NMD) and loss of protein (premature termination codon is located at least 54 nucleotides upstream of the final exon-exon junction). (SP) 0251 - This variant is heterozygous. (I) 0304 - Variant is present in gnomAD (v2) <0.01 for a recessive condition (1 heterozygote, 0 homozygotes). (SP) 0701 - Other NMD-predicted variants comparable to the one identified in this case have very strong previous evidence for pathogenicity (DECIPHER). (SP) 0807 - This variant has no previous evidence of pathogenicity. (I) 0905 - No published segregation evidence has been identified for this variant. (I) 1007 - No published functional evidence has been identified for this variant. (I) Legend: (SP) - Supporting pathogenic, (I) - Information, (SB) - Supporting benign

Literature cited by the submitters: PubMed 27942854 (cited by Labcorp Genetics (formerly Invitae), Labcorp); PubMed 30212996 (cited by Labcorp Genetics (formerly Invitae), Labcorp); PubMed 27867342 (cited by Victorian Clinical Genetics Services, Murdoch Childrens Research Institute).

NM_173689.7(CRB2):c.823C>T (p.Arg275Ter)

Gene: CRB2 (crumbs cell polarity complex component 2; plus strand). Cytogenetic location: 9q33.3.
Variant type: single nucleotide variant.
Coding change: c.823C>T on transcript NM_173689.7 (MANE Select); coding-DNA position 823, C replaced by T.
Protein change: p.Arg275Ter; replaces arginine 275 with a stop codon.
Molecular consequence: nonsense.
Genome position (GRCh38, 1-based): chr9:123,367,240, C>T. VCF-style: chr9-123367240-C-T. GRCh37 (hg19) VCF-style: chr9-126129519-C-T.
Other names: short protein forms R275*.
Identifiers: ClinVar variation 3255213 (VCV003255213.2), dbSNP rs772895608.